The following is an entry in ClinVar:

NM_015001.3(SPEN):c.10485C>T (p.Pro3495=)

Gene: SPEN (spen family transcriptional repressor; plus strand). Cytogenetic location: 1p36.13.
Variant type: single nucleotide variant.
Coding change: c.10485C>T on transcript NM_015001.3 (MANE Select); coding-DNA position 10485, C replaced by T.
Protein change: p.Pro3495=; no amino-acid change (proline 3495 retained).
Molecular consequence: synonymous variant.
Genome position (GRCh38, 1-based): chr1:15,937,621, C>T. VCF-style: chr1-15937621-C-T. GRCh37 (hg19) VCF-style: chr1-16264116-C-T.
Identifiers: ClinVar variation 786982 (VCV000786982.6), dbSNP rs57175033, ClinGen allele CA620731.

ClinVar aggregate classification (germline): Benign. Review status: criteria provided, multiple submitters, no conflicts (2 of 4 stars). 3 submissions from 3 submitters: Benign (2). 1 of the submissions does not count toward it. Last evaluated 2018-05-24.

Conditions:
SPEN-related disorder. Also called: SPEN-related condition.

Allele frequency attached by ClinVar (database versions not stated): ExAC 0.00287; gnomAD 0.00931 and 0.00886; TOPMed 0.00979; gnomAD exomes 0.00221; 1000 Genomes Project 0.01218; 1000 Genomes Project 30x 0.01312; ESP Exome Variant Server 0.01023.
gnomAD v4.1: 2,486 of 1,613,604 alleles (0.15%); highest among the groups gnomAD compares: African/African-American, 2.9%; 35 homozygotes.

Submissions (3):

Labcorp Genetics (formerly Invitae), Labcorp
Classification: Benign. Last evaluated: 2018-05-24. Review status: criteria provided, single submitter. Criteria: Invitae Variant Classification Sherloc (09022015). Collection method: clinical testing. Allele origin: germline.

Breakthrough Genomics
Classification: Benign. Review status: criteria provided, single submitter. Criteria: ACMG Guidelines, 2015. Collection method: not provided. Allele origin: germline. Inheritance: Autosomal dominant inheritance. Affected: yes.

PreventionGenetics, part of Exact Sciences
Classification: Benign for SPEN-related condition. Last evaluated: 2019-02-26. Review status: no assertion criteria provided. Collection method: clinical testing. Allele origin: germline. Not counted in ClinVar's aggregate classification.
Comment: This variant is classified as benign based on ACMG/AMP sequence variant interpretation guidelines (Richards et al. 2015 PMID: 25741868, with internal and published modifications).